The following is an entry in ClinVar:

ClinVar aggregate classification (germline): Uncertain significance (1 of 4 stars; one submission).

Submission:

Labcorp Genetics (formerly Invitae), Labcorp
Classification: Uncertain significance. Last evaluated: 2022-11-15. Review status: criteria provided, single submitter. Criteria: Invitae Variant Classification Sherloc (09022015). Collection method: clinical testing. Allele origin: germline.
Comment: In summary, the available evidence is currently insufficient to determine the role of this variant in disease. Therefore, it has been classified as a Variant of Uncertain Significance. This variant has not been reported in the literature in individuals affected with LIPT1-related conditions. A copy number gain of the genomic region encompassing the full coding sequence of the LIPT1 gene has been identified. The boundaries of this event are unknown as they extend beyond the assayed region for this gene and therefore may encompass additional genes. As the precise location of this event is unknown, it may be in tandem or it may be located elsewhere in the genome.

NC_000002.11:g.(?_99778421)_(99779542_?)dup

Gene: LIPT1 (lipoyltransferase 1; plus strand). Cytogenetic location: 2q11.2.
Variant type: Duplication.
Identifiers: ClinVar variation 1445375 (VCV001445375.5).